The following is an entry in ClinVar:

ClinVar aggregate classification (germline): Uncertain significance (1 of 4 stars; one submission).

Conditions:
Hereditary cancer-predisposing syndrome. Also called: Hereditary neoplastic syndrome; Neoplastic Syndromes, Hereditary; Tumor predisposition; Hereditary Cancer Syndrome. Identifiers: Orphanet 140162, MedGen C0027672, MeSH D009386, MONDO:0015356.

Submission:

Ambry Genetics
Classification: Uncertain significance for Hereditary cancer-predisposing syndrome. Last evaluated: 2020-01-07. Review status: criteria provided, single submitter. Criteria: Ambry Variant Classification Scheme 2023. Collection method: clinical testing. Allele origin: germline.
Comment: The p.I2064F variant (also known as c.6190A>T), located in coding exon 41 of the ATM gene, results from an A to T substitution at nucleotide position 6190. The isoleucine at codon 2064 is replaced by phenylalanine, an amino acid with highly similar properties. This amino acid position is highly conserved in available vertebrate species. In addition, the in silico prediction for this alteration is inconclusive. Since supporting evidence is limited at this time, the clinical significance of this alteration remains unclear.

NM_000051.4(ATM):c.6190A>T (p.Ile2064Phe)

Genes: ATM (ATM serine/threonine kinase; plus strand), C11orf65 (chromosome 11 open reading frame 65; minus strand). Cytogenetic location: 11q22.3.
Variant type: single nucleotide variant.
Coding change: c.6190A>T on transcript NM_000051.4 (MANE Select); coding-DNA position 6190, A replaced by T.
Protein change: p.Ile2064Phe; replaces isoleucine 2064 with phenylalanine.
Molecular consequence: missense variant. On other transcripts: intron variant (2).
Genome position (GRCh38, 1-based): chr11:108,316,105, A>T. VCF-style: chr11-108316105-A-T. GRCh37 (hg19) VCF-style: chr11-108186832-A-T.
Other names: c.6190A>T, p.Ile2064Phe (NM_001351834.2); c.641-7034T>A (NM_001330368.2); c.*39-7034T>A (NM_001351110.2); short protein forms I2064F.
Identifiers: ClinVar variation 1752118 (VCV001752118.2), dbSNP rs2136132311, ClinGen allele CA382550770.